The following is an entry in ClinVar:

NM_014254.3(RXYLT1):c.239_240del (p.Arg80fs)

Gene: RXYLT1 (ribitol xylosyltransferase 1; plus strand). Cytogenetic location: 12q14.2.
Variant type: Deletion.
Coding change: c.239_240del on transcript NM_014254.3 (MANE Select); coding-DNA positions 239 to 240, 2 bases deleted (GA; older notation c.239_240delGA).
Protein change: p.Arg80fs; shifts the reading frame from arginine 80.
Molecular consequence: frameshift variant. On other transcripts: 5 prime UTR variant (1).
Genome position (GRCh38, 1-based): chr12:63,781,088-63,781,089, GA deleted; deleting any 2 consecutive bases within chr12:63,781,087-63,781,089 gives the same sequence; the c. name uses the placement nearest the transcript's 3' end. VCF-style (leftmost placement, unchanged base first): chr12-63781086-CAG-C. GRCh37 (hg19) VCF-style: chr12-64174866-CAG-C.
Other names: c.-542_-541del (NM_001278237.2); short protein forms R80fs.
Identifiers: ClinVar variation 1390275 (VCV001390275.6), dbSNP rs1252704757, ClinGen allele CA605358259.

ClinVar aggregate classification (germline): Pathogenic (1 of 4 stars; one submission).

Submission:

Labcorp Genetics (formerly Invitae), Labcorp
Classification: Pathogenic. Last evaluated: 2025-03-09. Review status: criteria provided, single submitter. Criteria: Invitae Variant Classification Sherloc (09022015). Collection method: clinical testing. Allele origin: germline.
Comment: This sequence change creates a premature translational stop signal (p.Arg80Ilefs*2) in the RXYLT1 gene. It is expected to result in an absent or disrupted protein product. Loss-of-function variants in RXYLT1 are known to be pathogenic (PMID: 23217329, 23519211, 31742715). This variant is present in population databases (no rsID available, gnomAD 0.007%). This variant has not been reported in the literature in individuals affected with RXYLT1-related conditions. ClinVar contains an entry for this variant (Variation ID: 1390275). For these reasons, this variant has been classified as Pathogenic.

Literature cited by the submitters: PubMed 23217329; PubMed 23519211; PubMed 31742715.